The following is an entry in ClinVar:

ClinVar aggregate classification (germline): Conflicting classifications of pathogenicity. Review status: criteria provided, conflicting classifications (1 of 4 stars). 6 submissions from 6 submitters: Uncertain significance (2); Likely benign (4). Last evaluated 2026-01-26.

Conditions:
TSC1-related disorder. Also called: TSC1-related condition.
Hereditary cancer-predisposing syndrome. Also called: Neoplastic Syndromes, Hereditary; Hereditary Cancer Syndrome; Tumor predisposition; Hereditary neoplastic syndrome. Identifiers: Orphanet 140162, MedGen C0027672, MeSH D009386, MONDO:0015356.
Tuberous sclerosis syndrome (TSC). Also called: Tuberous Sclerosis Complex; Tuberous sclerosis. Identifiers: Orphanet 805, MedGen C0041341, MONDO:0001734.
Tuberous sclerosis 1 (TSC1). Identifiers: Orphanet 805, MedGen C1854465, MONDO:0008612, OMIM 191100.

Allele frequency attached by ClinVar (database versions not stated): gnomAD 0.00001; ExAC 0.00002; gnomAD exomes 0.00002; TOPMed 0.00003.
gnomAD v4.1: 24 of 1,599,794 alleles (0.0015%); highest among the groups gnomAD compares: South Asian, 0.0033%; no homozygotes.

Submissions (6):

Labcorp Genetics (formerly Invitae), Labcorp
Classification: Likely benign for Tuberous sclerosis 1. Last evaluated: 2026-01-26. Review status: criteria provided, single submitter. Criteria: Invitae Variant Classification Sherloc (09022015). Collection method: clinical testing. Allele origin: germline.

PreventionGenetics, part of Exact Sciences
Classification: Likely benign for TSC1-related condition. Last evaluated: 2025-10-08. Review status: criteria provided, single submitter. Criteria: ACMG Guidelines, 2015. Collection method: clinical testing. Allele origin: germline.
Comment: This variant is classified as likely benign based on ACMG/AMP sequence variant interpretation guidelines (Richards et al. 2015 PMID: 25741868, with internal and published modifications).

Quest Diagnostics Nichols Institute San Juan Capistrano
Classification: Uncertain significance. Last evaluated: 2025-02-15. Review status: criteria provided, single submitter. Criteria: Quest Diagnostics criteria. Collection method: clinical testing. Allele origin: unknown.

Ambry Genetics
Classification: Likely benign for Hereditary cancer-predisposing syndrome. Last evaluated: 2023-12-14. Review status: criteria provided, single submitter. Criteria: Ambry Variant Classification Scheme 2023. Collection method: clinical testing. Allele origin: germline.

Color Diagnostics, LLC DBA Color Health
Classification: Uncertain significance for Tuberous sclerosis syndrome. Last evaluated: 2023-12-12. Review status: criteria provided, single submitter. Criteria: ACMG Guidelines, 2015. Collection method: clinical testing. Allele origin: germline.
Comment: This missense variant replaces arginine with tryptophan at codon 908 of the TSC1 protein. Computational prediction is inconclusive regarding the impact of this variant on protein structure and function (internally defined REVEL score threshold 0.5 < inconclusive < 0.7, PMID: 27666373). To our knowledge, functional studies have not been reported for this variant. This variant has not been reported in individuals affected with TSC1-related disorders in the literature. This variant has been identified in 6/282602 chromosomes in the general population by the Genome Aggregation Database (gnomAD). The available evidence is insufficient to determine the role of this variant in disease conclusively. Therefore, this variant is classified as a Variant of Uncertain Significance.

Genome-Nilou Lab
Classification: Likely benign for Tuberous sclerosis 1. Last evaluated: 2021-11-07. Review status: criteria provided, single submitter. Criteria: ACMG Guidelines, 2015. Collection method: clinical testing. Allele origin: germline. Affected: no.

NM_000368.5(TSC1):c.2722C>T (p.Arg908Trp)

Gene: TSC1 (TSC complex subunit 1; minus strand). Cytogenetic location: 9q34.13.
Variant type: single nucleotide variant.
Coding change: c.2722C>T on transcript NM_000368.5 (MANE Select); coding-DNA position 2722, C replaced by T.
Protein change: p.Arg908Trp; replaces arginine 908 with tryptophan.
Molecular consequence: missense variant.
Genome position (GRCh38, 1-based): chr9:132,897,514, G>A on the plus strand (C>T on the coding strand, the complement: TSC1 is on the minus strand). VCF-style: chr9-132897514-G-A. GRCh37 (hg19) VCF-style: chr9-135772901-G-A.
Other names: c.2719C>T, p.Arg907Trp (NM_001162426.2); c.2569C>T, p.Arg857Trp (NM_001162427.2); c.2359C>T, p.Arg787Trp (NM_001362177.2); short protein forms R908W, R907W, R857W, R787W.
Identifiers: ClinVar variation 486563 (VCV000486563.22), dbSNP rs748845915, ClinGen allele CA034396.